The following is an entry in ClinVar:

ClinVar aggregate classification (germline): Uncertain significance (1 of 4 stars; one submission).

Conditions:
Mitochondrial hypertrophic cardiomyopathy with lactic acidosis due to MTO1 deficiency. Also called: CARDIOMYOPATHY, INFANTILE HYPERTROPHIC MITOCHONDRIAL, AND LACTIC ACIDOSIS; Combined oxidative phosphorylation deficiency 10. Identifiers: Orphanet 314637, MedGen C4749921, MONDO:0013865, OMIM 614702.

Allele frequency attached by ClinVar (database versions not stated): gnomAD exomes below 0.00001; TOPMed below 0.00001.
gnomAD v4.1: 1 of 1,613,252 alleles (0.000062%); highest among the groups gnomAD compares: Non-Finnish European, 0.000085%; no homozygotes.

Submission:

Labcorp Genetics (formerly Invitae), Labcorp
Classification: Uncertain significance for Mitochondrial hypertrophic cardiomyopathy with lactic acidosis due to MTO1 deficiency. Last evaluated: 2018-08-06. Review status: criteria provided, single submitter. Criteria: Invitae Variant Classification Sherloc (09022015). Collection method: clinical testing. Allele origin: germline.
Comment: This variant has not been reported in the literature in individuals with MTO1-related disease. This variant is not present in population databases (ExAC no frequency). This sequence change replaces lysine with arginine at codon 306 of the MTO1 protein (p.Lys306Arg). The lysine residue is weakly conserved and there is a small physicochemical difference between lysine and arginine. Algorithms developed to predict the effect of missense changes on protein structure and function output the following: SIFT: "Tolerated"; PolyPhen-2: "Benign"; Align-GVGD: "Class C0". The arginine amino acid residue is found in multiple mammalian species, suggesting that this missense change does not adversely affect protein function. These predictions have not been confirmed by published functional studies and their clinical significance is uncertain. In summary, the available evidence is currently insufficient to determine the role of this variant in disease. Therefore, it has been classified as a Variant of Uncertain Significance.

NM_012123.4(MTO1):c.917A>G (p.Lys306Arg)

Gene: MTO1 (mitochondrial tRNA translation optimization 1; plus strand). Cytogenetic location: 6q13.
Variant type: single nucleotide variant.
Coding change: c.917A>G on transcript NM_012123.4 (MANE Select); coding-DNA position 917, A replaced by G.
Protein change: p.Lys306Arg; replaces lysine 306 with arginine.
Molecular consequence: missense variant.
Genome position (GRCh38, 1-based): chr6:73,479,823, A>G. VCF-style: chr6-73479823-A-G. GRCh37 (hg19) VCF-style: chr6-74189546-A-G.
Other names: c.917A>G, p.Lys306Arg (NM_001123226.2, NM_133645.3); short protein forms K306R.
Identifiers: ClinVar variation 652866 (VCV000652866.4), dbSNP rs1582684383, ClinGen allele CA364714510.
Genomic context (GRCh38, chr6:73,479,823, plus strand): 5'-ACACCAACCCTAGAGTGGATGAGATTGTCCTTAAGAACCTTCACCTTAATAGTCATGTTA[A>G]AGAAACGACAAGAGGACCTCGGTAAGGACAAAATGTCAGTGCTCAGTTACTTTAAGGAAT-3'
Protein context (NP_036255.2, residues 296-316): LKNLHLNSHV[Lys306Arg]ETTRGPRYCP